The following is an entry in ClinVar:

ClinVar aggregate classification (germline): Uncertain significance (1 of 4 stars; one submission).

Conditions:
Inborn genetic diseases. Identifiers: MedGen C0950123, MeSH D030342.

Allele frequency attached by ClinVar (database versions not stated): gnomAD exomes below 0.00001.
gnomAD v4.1: 2 of 1,614,198 alleles (0.00012%); highest among the groups gnomAD compares: Non-Finnish European, 0.00017%; no homozygotes.

Submission:

Ambry Genetics
Classification: Uncertain significance for Inborn genetic diseases. Last evaluated: 2017-11-30. Review status: criteria provided, single submitter. Criteria: Ambry Variant Classification Scheme 2023. Collection method: clinical testing. Allele origin: germline.
Comment: The p.N1296H variant (also known as c.3886A>C), located in coding exon 24 of the CNTNAP2 gene, results from an A to C substitution at nucleotide position 3886. The asparagine at codon 1296 is replaced by histidine, an amino acid with similar properties. This variant was not reported in population based cohorts in the following databases: Database of Single Nucleotide Polymorphisms (dbSNP), NHLBI Exome Sequencing Project (ESP), and 1000 Genomes Project. In the ESP, this variant was not observed in 6503 samples (13006 alleles) with coverage at this position. This amino acid position is highly conserved in available vertebrate species. In addition, this alteration is predicted to be tolerated by in silico analysis. Since supporting evidence is limited at this time, the clinical significance of this alteration remains unclear.

NM_014141.6(CNTNAP2):c.3886A>C (p.Asn1296His)

Gene: CNTNAP2 (contactin associated protein 2; plus strand). Cytogenetic location: 7q36.1.
Variant type: single nucleotide variant.
Coding change: c.3886A>C on transcript NM_014141.6 (MANE Select); coding-DNA position 3886, A replaced by C.
Protein change: p.Asn1296His; replaces asparagine 1296 with histidine.
Molecular consequence: missense variant.
Genome position (GRCh38, 1-based): chr7:148,415,506, A>C. VCF-style: chr7-148415506-A-C. GRCh37 (hg19) VCF-style: chr7-148112598-A-C.
Other names: short protein forms N1296H.
Identifiers: ClinVar variation 589820 (VCV000589820.5), dbSNP rs1245295352, ClinGen allele CA369706823.